The following is an entry in ClinVar:

NM_152680.3(TMEM154):c.498T>C (p.Pro166=)

Gene: TMEM154 (transmembrane protein 154; minus strand). Cytogenetic location: 4q31.3.
Variant type: single nucleotide variant.
Coding change: c.498T>C on transcript NM_152680.3 (MANE Select); coding-DNA position 498, T replaced by C.
Protein change: p.Pro166=; no amino-acid change (proline 166 retained).
Molecular consequence: synonymous variant.
Genome position (GRCh38, 1-based): chr4:152,640,966, A>G on the plus strand (T>C on the coding strand, the complement: TMEM154 is on the minus strand). VCF-style: chr4-152640966-A-G. GRCh37 (hg19) VCF-style: chr4-153562118-A-G.
Identifiers: ClinVar variation 3905069 (VCV003905069.10).
Genomic context (GRCh38, chr4:152,640,966, plus strand): 5'-CTGTGGTAGAAATGAGAAGTACCTTGGGTTGTGATTTGATTCCTTCTCTTCCTTCAAGGT[A>G]GGTAAACATTCAAAGTCGGCTAGGACAGAATAAAAGCAAACTCATTGTTAGTTACTGAAA-3'
Protein context (NP_689893.1, residues 156-176): MNRNADFECL[Pro166=]TLKEEKESNH

ClinVar aggregate classification (germline): Likely benign (1 of 4 stars; one submission).

gnomAD v4.1: 436 of 1,597,550 alleles (0.027%); highest among the groups gnomAD compares: South Asian, 0.42%; 1 homozygote.

Submission:

CeGaT Center for Human Genetics Tuebingen
Classification: Likely benign. Last evaluated: 2025-06-01. Review status: criteria provided, single submitter. Criteria: CeGaT Center For Human Genetics Tuebingen Variant Classification Criteria Version 2. Collection method: clinical testing. Allele origin: germline. Affected: yes. Observed: 1 variant allele.
Comment: TMEM154: BP4, BP7